The following is an entry in ClinVar:

ClinVar aggregate classification (germline): Uncertain significance (1 of 4 stars; one submission).

Allele frequency attached by ClinVar (database versions not stated): gnomAD exomes below 0.00001.

Submission:

GeneDx
Classification: Uncertain significance. Last evaluated: 2022-01-26. Review status: criteria provided, single submitter. Criteria: GeneDx Variant Classification Process June 2021. Collection method: clinical testing. Allele origin: germline. Affected: yes.
Comment: Not observed at significant frequency in large population cohorts (gnomAD); In silico analysis supports that this missense variant has a deleterious effect on protein structure/function; Has not been previously published as pathogenic or benign to our knowledge

NM_017534.6(MYH2):c.4184C>A (p.Ala1395Asp)

Genes: MYH2 (myosin heavy chain 2; minus strand), MYHAS (myosin heavy chain gene cluster antisense RNA; plus strand). Cytogenetic location: 17p13.1.
Variant type: single nucleotide variant.
Coding change: c.4184C>A on transcript NM_017534.6 (MANE Select); coding-DNA position 4184, C replaced by A.
Protein change: p.Ala1395Asp; replaces alanine 1395 with aspartic acid.
Molecular consequence: missense variant.
Genome position (GRCh38, 1-based): chr17:10,526,602, G>T on the plus strand (C>A on the coding strand, the complement: MYH2 is on the minus strand). VCF-style: chr17-10526602-G-T. GRCh37 (hg19) VCF-style: chr17-10429919-G-T.
Other names: c.4184C>A, p.Ala1395Asp (NM_001100112.2); short protein forms A1395D.
Identifiers: ClinVar variation 1699775 (VCV001699775.2), dbSNP rs2142295252, ClinGen allele CA398126827.